The following is an entry in ClinVar:

ClinVar aggregate classification (germline): Uncertain significance (1 of 4 stars; one submission).

Conditions:
GPSM2-related disorder. Also called: GPSM2-related disorders; GPSM2-related condition.

gnomAD v4.1: 1 of 1,611,100 alleles (0.000062%); highest among the groups gnomAD compares: Non-Finnish European, 0.000085%; no homozygotes.

Submission:

PreventionGenetics, part of Exact Sciences
Classification: Uncertain significance for GPSM2-related condition. Last evaluated: 2025-06-14. Review status: criteria provided, single submitter. Criteria: ACMG Guidelines, 2015. Collection method: clinical testing. Allele origin: germline.
Comment: The GPSM2 c.815C>G variant is predicted to result in the amino acid substitution p.Ala272Gly. To our knowledge, this variant has not been reported in the literature or in a large population database (gnomAD), indicating this variant is rare. At this time, the clinical significance of this variant is uncertain due to the absence of conclusive functional and genetic evidence.

NM_013296.5(GPSM2):c.815C>G (p.Ala272Gly)

Gene: GPSM2 (G protein signaling modulator 2; plus strand). Cytogenetic location: 1p13.3.
Variant type: single nucleotide variant.
Coding change: c.815C>G on transcript NM_013296.5 (MANE Select); coding-DNA position 815, C replaced by G.
Protein change: p.Ala272Gly; replaces alanine 272 with glycine.
Molecular consequence: missense variant.
Genome position (GRCh38, 1-based): chr1:108,901,807, C>G. VCF-style: chr1-108901807-C-G. GRCh37 (hg19) VCF-style: chr1-109444429-C-G.
Other names: c.815C>G, p.Ala272Gly (NM_001321038.2, NM_001321039.3); short protein forms A272G.
Identifiers: ClinVar variation 5001047 (VCV005001047.1).
Genomic context (GRCh38, chr1:108,901,807, plus strand): 5'-AACTGAGAATGATCATTATATAAGAATTAATTTCTTCTTGTAGGAAGACACTACTGTTGG[C>G]CCGACAGCTTAAAGACCGAGCTGTAGAAGCACAGTCTTGTTACAGTCTTGGAAATACATA-3'
Protein context (NP_037428.3, residues 262-282): SEYYKKTLLL[Ala272Gly]RQLKDRAVEA